The following is an entry in ClinVar:

ClinVar aggregate classification (germline): Uncertain significance. Review status: criteria provided, multiple submitters, no conflicts (2 of 4 stars). 3 submissions from 3 submitters: Uncertain significance (3). Last evaluated 2019-10-03.

Conditions:
Brachyrachia (short spine dysplasia) (BCYM3). Also called: BRACHYRACHIA; Brachyolmia Type 3; Brachyolmia, TRPV4-Related; Autosomal dominant brachyolmia. Identifiers: Orphanet 93304, MedGen C0432227, MONDO:0007232, OMIM 113500.
Metatropic dysplasia (MTD). Also called: METATROPIC DWARFISM; Metatropic dysplasia, nonlethal dominant; Metatropic Dysplasia, TRPV4-Related. Identifiers: Orphanet 2635, MedGen C0265281, MONDO:0007986, OMIM 156530.
Familial digital arthropathy-brachydactyly. Identifiers: Orphanet 85169, MedGen C1847406, MONDO:0011732, OMIM 606835.
Parastremmatic dwarfism. Identifiers: Orphanet 2646, MedGen C1868616, MONDO:0008196, OMIM 168400.
Neuronopathy, distal hereditary motor, autosomal dominant 8. Also called: SPINAL MUSCULAR ATROPHY, CONGENITAL BENIGN, WITH CONTRACTURES; NEURONOPATHY, DISTAL HEREDITARY MOTOR, TYPE VIII; NEUROPATHY, DISTAL HEREDITARY MOTOR, TYPE VIII; Autosomal dominant congenital benign spinal muscular atrophy. Identifiers: Orphanet 1216, MedGen C1838492, MONDO:0010839, OMIM 600175.
Scapuloperoneal spinal muscular atrophy (SPSMA). Also called: Scapuloperoneal Form of Spinal Muscular Atrophy; Scapuloperoneal spinal muscular atrophy, autosomal dominant; AMYOTROPHY, NEUROGENIC SCAPULOPERONEAL, NEW ENGLAND TYPE; Scapuloperoneal Spinal Muscular Atrophy, TRPV4-Related. Identifiers: Orphanet 431255, MedGen C0751335, MONDO:0008408, OMIM 181405.
Avascular necrosis of femoral head, primary, 2 (ANFH2). Identifiers: MedGen C4479260, MONDO:0054551, OMIM 617383.
Spondylometaphyseal dysplasia, Kozlowski type (SMDK). Also called: Dysmorphism arthrogryposis skeletal maturation advanced; Jequier-Kozlowski syndrome; Skeletal dysplasia Jequier-Kozlowski type; SMD Kozlowski type; Spondylometaphyseal Dysplasia, TRPV4-Related (Kozlowski Type). Identifiers: Orphanet 93314, MedGen C0265280, MONDO:0008477, OMIM 184252.
Spondyloepimetaphyseal dysplasia, Maroteaux type (SEDM). Also called: SED, MAROTEAUX TYPE; PSEUDO-MORQUIO SYNDROME, TYPE 2; Spondyloepimetaphyseal Dysplasia, TRPV4-Related (Maroteaux Type). Identifiers: Orphanet 263482, MedGen C3159322, MONDO:0008473, OMIM 184095.
Sodium serum level quantitative trait locus 1 (SSQTL1). Identifiers: MedGen C3150755, OMIM 613508.
Charcot-Marie-Tooth disease axonal type 2C (HMSN2C). Also called: CHARCOT-MARIE-TOOTH DISEASE, AXONAL, AUTOSOMAL DOMINANT, TYPE 2C; Charcot-Marie-Tooth Neuropathy Type 2C; Charcot-Marie-Tooth Disease Type 2, TRPV4-Related (CMT2C). Identifiers: Orphanet 99937, MedGen C1853710, MONDO:0011633, OMIM 606071.

Allele frequency attached by ClinVar (database versions not stated): gnomAD 0.00001; TOPMed 0.00001; ESP Exome Variant Server 0.00008; ExAC 0.00001; gnomAD exomes below 0.00001.
gnomAD v4.1: 2 of 1,614,090 alleles (0.00012%); highest among the groups gnomAD compares: African/African-American, 0.0027%; no homozygotes.

Submissions (3):

Labcorp Genetics (formerly Invitae), Labcorp
Classification: Uncertain significance for Charcot-Marie-Tooth disease axonal type 2C. Last evaluated: 2019-10-03. Review status: criteria provided, single submitter. Criteria: Invitae Variant Classification Sherloc (09022015). Collection method: clinical testing. Allele origin: germline.
Comment: This variant has not been reported in the literature in individuals with TRPV4-related conditions. ClinVar contains an entry for this variant (Variation ID: 448709). This variant is present in population databases (rs375851168, ExAC 0.01%). This sequence change replaces glycine with serine at codon 809 of the TRPV4 protein (p.Gly809Ser). The glycine residue is moderately conserved and there is a small physicochemical difference between glycine and serine. Algorithms developed to predict the effect of missense changes on protein structure and function (SIFT, PolyPhen-2, Align-GVGD) all suggest that this variant is likely to be tolerated, but these predictions have not been confirmed by published functional studies and their clinical significance is uncertain. In summary, the available evidence is currently insufficient to determine the role of this variant in disease. Therefore, it has been classified as a Variant of Uncertain Significance.

Fulgent Genetics
Classification: Uncertain significance for Brachyrachia (short spine dysplasia); Metatropic dysplasia; Parastremmatic dwarfism; Scapuloperoneal spinal muscular atrophy; Spondyloepimetaphyseal dysplasia, Maroteaux type; Spondylometaphyseal dysplasia, Kozlowski type; Neuronopathy, distal hereditary motor, autosomal dominant 8; Charcot-Marie-Tooth disease axonal type 2C; Familial digital arthropathy-brachydactyly; Sodium serum level quantitative trait locus 1; Avascular necrosis of femoral head, primary, 2. Last evaluated: 2018-10-31. Review status: criteria provided, single submitter. Criteria: ACMG Guidelines, 2015. Collection method: clinical testing. Allele origin: unknown.

Athena Diagnostics
Classification: Uncertain significance. Last evaluated: 2017-03-29. Review status: criteria provided, single submitter. Criteria: Athena Diagnostics Criteria. Collection method: clinical testing. Allele origin: germline.

NM_021625.5(TRPV4):c.2425G>A (p.Gly809Ser)

Gene: TRPV4 (transient receptor potential cation channel subfamily V member 4; minus strand). Cytogenetic location: 12q24.11.
Variant type: single nucleotide variant.
Coding change: c.2425G>A on transcript NM_021625.5 (MANE Select); coding-DNA position 2425, G replaced by A.
Protein change: p.Gly809Ser; replaces glycine 809 with serine.
Molecular consequence: missense variant.
Genome position (GRCh38, 1-based): chr12:109,784,349, C>T on the plus strand (G>A on the coding strand, the complement: TRPV4 is on the minus strand). VCF-style: chr12-109784349-C-T. GRCh37 (hg19) VCF-style: chr12-110222154-C-T.
Other names: c.2284G>A, p.Gly762Ser (NM_001177428.2); c.2323G>A, p.Gly775Ser (NM_001177431.2); c.2104G>A, p.Gly702Ser (NM_001177433.2); c.2245G>A, p.Gly749Ser (NM_147204.3); short protein forms G809S, G775S, G702S, G749S, G762S.
Identifiers: ClinVar variation 448709 (VCV000448709.12), dbSNP rs375851168, ClinGen allele CA6779931.
Genomic context (GRCh38, chr12:109,784,349, plus strand): 5'-CCCCTCCGCACCCGCCCCTCCACTCACCCCTGCGGAGGCGGCCCACGGTATGCGAGAAGC[C>T]ATAATACTGGTAGGTCTCATTCTTGCCCGGGTCCTCGTTGATGATGCCCAAGTTCTGGTT-3'
Protein context (NP_067638.3, residues 799-819): PGKNETYQYY[Gly809Ser]FSHTVGRLRR